The following is an entry in ClinVar:

NM_001126108.2(SLC12A3):c.2755C>T (p.Arg919Cys)

Gene: SLC12A3 (solute carrier family 12 member 3; plus strand). Cytogenetic location: 16q13.
Variant type: single nucleotide variant.
Coding change: c.2755C>T on transcript NM_001126108.2 (MANE Select); coding-DNA position 2755, C replaced by T.
Protein change: p.Arg919Cys; replaces arginine 919 with cysteine.
Molecular consequence: missense variant.
Genome position (GRCh38, 1-based): chr16:56,902,407, C>T. VCF-style: chr16-56902407-C-T. GRCh37 (hg19) VCF-style: chr16-56936319-C-T.
Other names: c.2782C>T, p.Arg928Cys (NM_000339.3); c.2779C>T, p.Arg927Cys (NM_001126107.2); short protein forms R928C, R919C, R927C.
Identifiers: ClinVar variation 319917 (VCV000319917.24), dbSNP rs12708965, ClinGen allele CA8070053.

ClinVar aggregate classification (germline): Benign. Review status: criteria provided, multiple submitters, no conflicts (2 of 4 stars). 13 submissions from 13 submitters: Benign (10). 3 of the submissions do not count toward it. Last evaluated 2026-02-01.

Conditions:
Familial hypokalemia-hypomagnesemia (GTLMNS). Also called: HYPOMAGNESEMIA-HYPOKALEMIA, PRIMARY RENOTUBULAR, WITH HYPOCALCIURIA; POTASSIUM AND MAGNESIUM DEPLETION; gitelman syndrome. Identifiers: Orphanet 358, MedGen C0268450, MONDO:0009904, OMIM 263800.

Allele frequency attached by ClinVar (database versions not stated): ExAC 0.03057; gnomAD exomes 0.03106; ESP Exome Variant Server 0.03447; gnomAD 0.03475 and 0.03500; TOPMed 0.03748; 1000 Genomes Project 0.05232; 1000 Genomes Project 30x 0.05403.
gnomAD v4.1: 32,065 of 1,612,492 alleles (2%); highest among the groups gnomAD compares: African/African-American, 7.1%; 623 homozygotes.

Submissions (13):

Labcorp Genetics (formerly Invitae), Labcorp
Classification: Benign. Last evaluated: 2026-02-01. Review status: criteria provided, single submitter. Criteria: Invitae Variant Classification Sherloc (09022015). Collection method: clinical testing. Allele origin: germline.

Blueprint Genetics
Classification: Benign. Last evaluated: 2024-11-27. Review status: criteria provided, single submitter. Criteria: ACMG Guidelines, 2015. Collection method: clinical testing. Allele origin: germline.

Mayo Clinic Laboratories, Mayo Clinic
Classification: Benign. Last evaluated: 2023-02-01. Review status: criteria provided, single submitter. Criteria: ACMG Guidelines, 2015. Collection method: clinical testing. Allele origin: germline. Observed: 8 variant alleles.
Comment: BA1, BS2

Genome-Nilou Lab
Classification: Benign for Familial hypokalemia-hypomagnesemia. Last evaluated: 2021-07-15. Review status: criteria provided, single submitter. Criteria: ACMG Guidelines, 2015. Collection method: clinical testing. Allele origin: germline. Affected: no.

GeneDx
Classification: Benign. Last evaluated: 2020-01-09. Review status: criteria provided, single submitter. Criteria: GeneDx Variant Classification Process June 2021. Collection method: clinical testing. Allele origin: germline. Affected: yes.
Comment: This variant is associated with the following publications: (PMID: 25273610, 17885550, 20981092, 9734597, 27884173, 27535533, 19489442, 31660880, 31398183)

Mendelics
Classification: Benign for Familial hypokalemia-hypomagnesemia. Last evaluated: 2019-05-28. Review status: criteria provided, single submitter. Criteria: Mendelics Assertion Criteria 2017. Collection method: clinical testing. Allele origin: unknown.

Illumina Laboratory Services, Illumina
Classification: Benign for Familial hypokalemia-hypomagnesemia. Last evaluated: 2018-03-06. Review status: criteria provided, single submitter. Criteria: ICSL Variant Classification Criteria 13 December 2019. Collection method: clinical testing. Allele origin: germline.
Comment: This variant was observed in the ICSL laboratory as part of a predisposition screen in an ostensibly healthy population. It had not been previously curated by ICSL or reported in the Human Gene Mutation Database (HGMD: prior to June 1st, 2018), and was therefore a candidate for classification through an automated scoring system. Utilizing variant allele frequency, disease prevalence and penetrance estimates, and inheritance mode, an automated score was calculated to assess if this variant is too frequent to cause the disease. Based on the score and internal cut-off values, a variant classified as benign is not then subjected to further curation. The score for this variant resulted in a classification of benign for this disease.

Athena Diagnostics
Classification: Benign for Familial hypokalemia-hypomagnesemia. Last evaluated: 2017-06-29. Review status: criteria provided, single submitter. Criteria: Athena Diagnostics Criteria. Collection method: clinical testing. Allele origin: germline.

Breakthrough Genomics
Classification: Benign. Review status: criteria provided, single submitter. Criteria: ACMG Guidelines, 2015. Collection method: not provided. Allele origin: germline. Inheritance: Autosomal recessive inheritance. Affected: yes.

Broad Center for Mendelian Genomics, Broad Institute of MIT and Harvard
Classification: Benign for Familial hypokalemia-hypomagnesemia. Review status: criteria provided, single submitter. Criteria: ACMG Guidelines, 2015. Collection method: research. Allele origin: germline. Inheritance: Autosomal recessive inheritance. Affected: yes.
Comment: The heterozygous p.Arg928Cys variant in SLC12A3 has been identified in an individual with Gitelman syndrome (PMID: 9734597). This variant is classified as benign for autosomal recessive Gitelman syndrome because it has been identified in >70% of African chromosomes and 107 total homozygotes by ExAC.

Natera, Inc.
Classification: Benign for Gitelman syndrome. Last evaluated: 2020-09-16. Review status: no assertion criteria provided. Collection method: clinical testing. Allele origin: germline. Not counted in ClinVar's aggregate classification.

Genome Diagnostics Laboratory, University Medical Center Utrecht
Classification: Benign. Review status: no assertion criteria provided. Collection method: clinical testing. Allele origin: germline. Affected: yes. Study: VKGL Data-share Consensus. Not counted in ClinVar's aggregate classification.

Joint Genome Diagnostic Labs from Nijmegen and Maastricht, Radboudumc and MUMC+
Classification: Benign. Review status: no assertion criteria provided. Collection method: clinical testing. Allele origin: germline. Affected: yes. Study: VKGL Data-share Consensus. Not counted in ClinVar's aggregate classification.

Literature cited by the submitters: PubMed 8865231 (cited by Athena Diagnostics); PubMed 19489442 (cited by Athena Diagnostics); PubMed 17329572 (cited by Athena Diagnostics); PubMed 9734597 (cited by Athena Diagnostics); PubMed 17885550 (cited by Athena Diagnostics); PubMed 20981092 (cited by Athena Diagnostics); PubMed 19033254 (cited by Athena Diagnostics); PubMed 21415153 (cited by Athena Diagnostics); PubMed 19451210 (cited by Athena Diagnostics); PubMed 21753071 (cited by Athena Diagnostics); PubMed 15687331 (cited by Athena Diagnostics).